The following is an entry in ClinVar:

NM_001166108.2(PALLD):c.1965-12637C>G

Gene: PALLD (palladin, cytoskeletal associated protein; plus strand). Cytogenetic location: 4q32.3.
Variant type: single nucleotide variant.
Coding change: c.1965-12637C>G on transcript NM_001166108.2 (MANE Select); 12637 bases into the intron before coding-DNA position 1965, C replaced by G.
Molecular consequence: intron variant. On other transcripts: missense variant (1).
Genome position (GRCh38, 1-based): chr4:168,878,285, C>G. VCF-style: chr4-168878285-C-G. GRCh37 (hg19) VCF-style: chr4-169799436-C-G.
Other names: c.394C>G, p.Arg132Gly (NM_001166110.2); c.1965-12637C>G (NM_016081.4); c.819-12637C>G (NM_001166109.2); c.-157-12637C>G (NM_001367570.1, NM_001367568.1, NM_001367567.1 and 1 more transcripts); short protein forms R132G.
Identifiers: ClinVar variation 238610 (VCV000238610.10), dbSNP rs878854264, ClinGen allele CA10582218.
Genomic context (GRCh38, chr4:168,878,285, plus strand): 5'-CCGCCACCACCGCCGCTCCCGAGCCCGGGACAGGCGTCCCACTGCTCGTCGCCTGCCACC[C>G]GCTTCGGCCACAGCCAGACGCCCGCGGCCTTCCTCAGCGCTCTGCTGCCCTCGCAGCCGC-3'

ClinVar aggregate classification (germline): Uncertain significance. Review status: criteria provided, multiple submitters, no conflicts (2 of 4 stars). 2 submissions from 2 submitters: Uncertain significance (2). Last evaluated 2026-02-16.

Conditions:
Pancreatic adenocarcinoma. Identifiers: MedGen C0281361, MONDO:0006047, HP:0006725.

Allele frequency attached by ClinVar (database versions not stated): gnomAD 0.00003.
gnomAD v4.1: 1 of 1,527,144 alleles (0.000065%); highest among the groups gnomAD compares: African/African-American, 0.0014%; no homozygotes.

Submissions (2):

Ambry Genetics
Classification: Uncertain significance. Last evaluated: 2026-02-16. Review status: criteria provided, single submitter. Criteria: Ambry Variant Classification Scheme 2023. Collection method: clinical testing. Allele origin: germline.
Comment: The p.R132G variant (also known as c.394C>G), located in coding exon 1 of the PALLD gene, results from a C to G substitution at nucleotide position 394. The arginine at codon 132 is replaced by glycine, an amino acid with dissimilar properties. This amino acid position is conserved. In addition, this alteration is predicted to be tolerated by in silico analysis. Based on the available evidence, the clinical significance of this variant remains unclear.

Labcorp Genetics (formerly Invitae), Labcorp
Classification: Uncertain significance for Pancreatic adenocarcinoma. Last evaluated: 2020-09-11. Review status: criteria provided, single submitter. Criteria: Invitae Variant Classification Sherloc (09022015). Collection method: clinical testing. Allele origin: germline.
Comment: This sequence change replaces arginine with glycine at codon 132 of the PALLD protein (p.Arg132Gly). The arginine residue is weakly conserved and there is a moderate physicochemical difference between arginine and glycine. The frequency data for this variant in the population databases is considered unreliable, as metrics indicate insufficient coverage at this position in the ExAC database. This variant has not been reported in the literature in individuals with PALLD-related disease. ClinVar contains an entry for this variant (Variation ID: 238610). Algorithms developed to predict the effect of missense changes on protein structure and function (SIFT, PolyPhen-2, Align-GVGD) all suggest that this variant is likely to be tolerated, but these predictions have not been confirmed by published functional studies and their clinical significance is uncertain. In summary, the available evidence is currently insufficient to determine the role of this variant in disease. Therefore, it has been classified as a Variant of Uncertain Significance.